The following is an entry in ClinVar:

ClinVar aggregate classification (germline): Uncertain significance (1 of 4 stars; one submission).

Allele frequency attached by ClinVar (database versions not stated): gnomAD 0.00001.
gnomAD v4.1: 2 of 1,614,054 alleles (0.00012%); highest among the groups gnomAD compares: African/African-American, 0.0013%; no homozygotes.

Submission:

Labcorp Genetics (formerly Invitae), Labcorp
Classification: Uncertain significance. Last evaluated: 2025-06-12. Review status: criteria provided, single submitter. Criteria: Invitae Variant Classification Sherloc (09022015). Collection method: clinical testing. Allele origin: germline.
Comment: This sequence change replaces phenylalanine, which is neutral and non-polar, with valine, which is neutral and non-polar, at codon 85 of the FN1 protein (p.Phe85Val). This variant is not present in population databases (gnomAD no frequency). This variant has not been reported in the literature in individuals affected with FN1-related conditions. ClinVar contains an entry for this variant (Variation ID: 2998054). An algorithm developed to predict the effect of missense changes on protein structure and function (PolyPhen-2) suggests that this variant is likely to be disruptive. In summary, the available evidence is currently insufficient to determine the role of this variant in disease. Therefore, it has been classified as a Variant of Uncertain Significance.

NM_212482.4(FN1):c.253T>G (p.Phe85Val)

Gene: FN1 (fibronectin 1; minus strand). Cytogenetic location: 2q35.
Variant type: single nucleotide variant.
Coding change: c.253T>G on transcript NM_212482.4 (MANE Select); coding-DNA position 253, T replaced by G.
Protein change: p.Phe85Val; replaces phenylalanine 85 with valine.
Molecular consequence: missense variant.
Genome position (GRCh38, 1-based): chr2:215,434,720, A>C on the plus strand (T>G on the coding strand, the complement: FN1 is on the minus strand). VCF-style: chr2-215434720-A-C. GRCh37 (hg19) VCF-style: chr2-216299443-A-C.
Other names: c.253T>G, p.Phe85Val (NM_001306129.2, NM_001306130.2, NM_001306131.2 and 14 more transcripts); short protein forms F85V.
Identifiers: ClinVar variation 2998054 (VCV002998054.3), dbSNP rs2067156791, ClinGen allele CA350480045.